The following is an entry in ClinVar:

NM_201384.3(PLEC):c.6012G>C (p.Arg2004=)

Gene: PLEC (plectin; minus strand). Cytogenetic location: 8q24.3.
Variant type: single nucleotide variant.
Coding change: c.6012G>C on transcript NM_201384.3 (MANE Select); coding-DNA position 6012, G replaced by C.
Protein change: p.Arg2004=; no amino-acid change (arginine 2004 retained).
Molecular consequence: synonymous variant. On other transcripts: intron variant (1).
Genome position (GRCh38, 1-based): chr8:143,923,917, C>G on the plus strand (G>C on the coding strand, the complement: PLEC is on the minus strand). VCF-style: chr8-143923917-C-G. GRCh37 (hg19) VCF-style: chr8-144998085-C-G.
Other names: c.6093G>C, p.Arg2031= (NM_000445.5); c.5970G>C, p.Arg1990= (NM_201378.4); c.5946G>C, p.Arg1982= (NM_201379.3); c.6423G>C, p.Arg2141= (NM_201380.4); c.5916G>C, p.Arg1972= (NM_201381.3); c.6012G>C, p.Arg2004= (NM_201382.4); c.6024G>C, p.Arg2008= (NM_201383.3); c.4126-1522G>C (NM_001410941.1); and 1 more.
Identifiers: ClinVar variation 2435028 (VCV002435028.8), dbSNP rs782708058, ClinGen allele CA4926144.

ClinVar aggregate classification (germline): Conflicting classifications of pathogenicity. Review status: criteria provided, conflicting classifications (1 of 4 stars). 3 submissions from 3 submitters: Uncertain significance (1); Likely benign (1). 1 of the submissions does not count toward it. Last evaluated 2023-03-10.

Conditions:
Autosomal recessive limb-girdle muscular dystrophy type 2Q (LGMDR17). Also called: MUSCULAR DYSTROPHY, LIMB-GIRDLE, AUTOSOMAL RECESSIVE 17. Identifiers: Orphanet 254361, MedGen C3150989, MONDO:0013390, OMIM 613723.
Epidermolysis bullosa simplex, Ogna type (EBS5A). Also called: Pidermolysis bullosa simplex 5A, Ogna type; EPIDERMOLYSIS BULLOSA SIMPLEX 5A, OGNA TYPE. Identifiers: Orphanet 79401, MedGen C0432317, MONDO:0007555, OMIM 131950.
Epidermolysis bullosa simplex with nail dystrophy (EBS5D). Identifiers: MedGen C4225309, MONDO:0014661, OMIM 616487.
Epidermolysis bullosa simplex 5C, with pyloric atresia (EBS5C). Also called: PLEC-Related Epidermolysis Bullosa with Pyloric Atresia; Epidermolysis bullosa simplex with pyloric atresia; PLEC1-Related Epidermolysis Bullosa with Pyloric Atresia. Identifiers: Orphanet 158684, MedGen C2677349, MONDO:0012807, OMIM 612138.
Epidermolysis bullosa simplex 5B, with muscular dystrophy (EBS5B). Also called: Epidermolysis bullosa simplex with muscular dystrophy; EPIDERMOLYSIS BULLOSA SIMPLEX AND LIMB-GIRDLE MUSCULAR DYSTROPHY. Identifiers: Orphanet 257, MedGen C2931072, MONDO:0009181, OMIM 226670.
PLEC-related disorder. Also called: PLEC-related disorders; PLEC-related condition.

Allele frequency attached by ClinVar (database versions not stated): TOPMed below 0.00001; ExAC 0.00001; gnomAD 0.00001.

Submissions (3):

Labcorp Genetics (formerly Invitae), Labcorp
Classification: Likely benign for Autosomal recessive limb-girdle muscular dystrophy type 2Q; Epidermolysis bullosa simplex, Ogna type; Epidermolysis bullosa simplex with nail dystrophy; Epidermolysis bullosa simplex 5C, with pyloric atresia; Epidermolysis bullosa simplex 5B, with muscular dystrophy. Last evaluated: 2023-03-10. Review status: criteria provided, single submitter. Criteria: Invitae Variant Classification Sherloc (09022015). Collection method: clinical testing. Allele origin: germline.

Revvity Omics, Revvity
Classification: Uncertain significance. Last evaluated: 2019-02-20. Review status: criteria provided, single submitter. Criteria: ACMG Guidelines, 2015. Collection method: clinical testing. Allele origin: germline.

PreventionGenetics, part of Exact Sciences
Classification: Likely benign for PLEC-related condition. Last evaluated: 2019-06-19. Review status: no assertion criteria provided. Collection method: clinical testing. Allele origin: germline. Not counted in ClinVar's aggregate classification.
Comment: This variant is classified as likely benign based on ACMG/AMP sequence variant interpretation guidelines (Richards et al. 2015 PMID: 25741868, with internal and published modifications).